The following is an entry in ClinVar:

ClinVar aggregate classification (germline): not provided (0 of 4 stars; one submission).

Allele frequency attached by ClinVar (database versions not stated): 1000 Genomes Project 30x 0.00078; 1000 Genomes Project 0.00080; gnomAD 0.00153 and 0.00161; TOPMed 0.00153.
gnomAD v4.1: 357 of 706,332 alleles (0.051%); highest among the groups gnomAD compares: African/African-American, 0.56%; 2 homozygotes.

Submission:

Human Evolutionary Genetics, Institut Pasteur
No classification provided. Review status: no classification provided. Collection method: not provided. Allele origin: germline.
ClinVar note: Converted during submission from untested to not provided.

NM_001384950.1(NLRC5):c.356-122C>T

Gene: NLRC5 (NLR family CARD domain containing 5; plus strand). Cytogenetic location: 16q13.
Variant type: single nucleotide variant.
Coding change: c.356-122C>T on transcript NM_001384950.1 (MANE Select); 122 bases into the intron before coding-DNA position 356, C replaced by T.
Molecular consequence: intron variant.
Genome position (GRCh38, 1-based): chr16:57,023,663, C>T. VCF-style: chr16-57023663-C-T. GRCh37 (hg19) VCF-style: chr16-57057575-C-T.
Other names: c.356-122C>T (NM_001384954.1, NM_001384953.1, NM_001384957.1 and 22 more transcripts).
Identifiers: ClinVar variation 103182 (VCV000103182.2), dbSNP rs199475967, ClinGen allele CA230228.